The following is an entry in ClinVar:

NM_001368882.1(COL13A1):c.2062G>T (p.Glu688Ter)

Gene: COL13A1 (collagen type XIII alpha 1 chain; plus strand). Cytogenetic location: 10q22.1.
Variant type: single nucleotide variant.
Coding change: c.2062G>T on transcript NM_001368882.1 (MANE Select); coding-DNA position 2062, G replaced by T.
Protein change: p.Glu688Ter; replaces glutamic acid 688 with a stop codon.
Molecular consequence: nonsense. On other transcripts: intron variant (7).
Genome position (GRCh38, 1-based): chr10:69,952,885, G>T. VCF-style: chr10-69952885-G-T. GRCh37 (hg19) VCF-style: chr10-71712641-G-T.
Other names: c.2029G>T, p.Glu677Ter (NM_001130103.2); c.1918G>T, p.Glu640Ter (NM_001320951.2); c.1876G>T, p.Glu626Ter (NM_001368884.1); c.1849G>T, p.Glu617Ter (NM_001368895.1); c.1813G>T, p.Glu605Ter (NM_080798.4); c.1936G>T, p.Glu646Ter (NM_080800.4); c.1963G>T, p.Glu655Ter (NM_080801.4); c.1882G>T, p.Glu628Ter (NM_080802.4); and 7 more; short protein forms E605*, E617*, E688*, E628*, E646*, E655*, E677*, E626*.
Identifiers: ClinVar variation 2821165 (VCV002821165.3), dbSNP rs776339682, ClinGen allele CA376936652.
Genomic context (GRCh38, chr10:69,952,885, plus strand): 5'-ACATGAATGATCTTAAAGTTTTGATGTTTTTTTCTCGGACTAAACCATTATTTACAGGGG[G>T]AGAGGGGGAAGAAAGGCTCTAGAGGGCCTAAAGGGGATAAGGGAGACCAAGGAGCGCCTG-3'

ClinVar aggregate classification (germline): Pathogenic (1 of 4 stars; one submission).

Submission:

Labcorp Genetics (formerly Invitae), Labcorp
Classification: Pathogenic. Last evaluated: 2023-07-03. Review status: criteria provided, single submitter. Criteria: Invitae Variant Classification Sherloc (09022015). Collection method: clinical testing. Allele origin: germline.
Comment: This sequence change creates a premature translational stop signal (p.Glu677*) in the COL13A1 gene. It is expected to result in an absent or disrupted protein product. Loss-of-function variants in COL13A1 are known to be pathogenic (PMID: 26626625). This variant is not present in population databases (gnomAD no frequency). This variant has not been reported in the literature in individuals affected with COL13A1-related conditions. For these reasons, this variant has been classified as Pathogenic.

Literature cited by the submitters: PubMed 26626625.